The following is an entry in ClinVar:

ClinVar aggregate classification (germline): Likely benign (1 of 4 stars; one submission).

Allele frequency attached by ClinVar (database versions not stated): gnomAD exomes 0.00134; 1000 Genomes Project 0.00419; 1000 Genomes Project 30x 0.00468.
gnomAD v4.1: 1,066 of 465,786 alleles (0.23%); highest among the groups gnomAD compares: Middle Eastern, 1.5%; 7 homozygotes.

Submission:

CeGaT Center for Human Genetics Tuebingen
Classification: Likely benign. Last evaluated: 2023-03-01. Review status: criteria provided, single submitter. Criteria: CeGaT Center For Human Genetics Tuebingen Variant Classification Criteria Version 2. Collection method: clinical testing. Allele origin: germline. Affected: yes. Observed: 2 variant alleles.
Comment: MYH14: BS2

NM_001145809.2(MYH14):c.973+268G>A

Gene: MYH14 (myosin heavy chain 14; plus strand). Cytogenetic location: 19q13.33.
Variant type: single nucleotide variant.
Coding change: c.973+268G>A on transcript NM_001145809.2 (MANE Select); 268 bases into the intron after coding-DNA position 973, G replaced by A.
Molecular consequence: intron variant.
Genome position (GRCh38, 1-based): chr19:50,230,891, G>A. VCF-style: chr19-50230891-G-A. GRCh37 (hg19) VCF-style: chr19-50734148-G-A.
Other names: c.949+268G>A (NM_024729.4); c.973+268G>A (NM_001077186.2).
Identifiers: ClinVar variation 2650303 (VCV002650303.24), dbSNP rs138230311, ClinGen allele CA309583491.